The following is an entry in ClinVar:

ClinVar aggregate classification (germline): Likely benign. Review status: criteria provided, multiple submitters, no conflicts (2 of 4 stars). 2 submissions from 2 submitters: Likely benign (2). Last evaluated 2026-09-01.

Conditions:
Emery-Dreifuss muscular dystrophy 5, autosomal dominant (EDMD5). Also called: EMERY-DREIFUSS MUSCULAR DYSTROPHY 5. Identifiers: Orphanet 261, MedGen C2751805, MONDO:0013072, OMIM 612999.

Allele frequency attached by ClinVar (database versions not stated): gnomAD exomes 0.00004; ExAC 0.00006; gnomAD 0.00007 and 0.00008; TOPMed 0.00007; ESP Exome Variant Server 0.00008.
gnomAD v4.1: 197 of 1,613,996 alleles (0.012%); highest among the groups gnomAD compares: Non-Finnish European, 0.015%; no homozygotes.

Submissions (2):

CeGaT Center for Human Genetics Tuebingen
Classification: Likely benign. Last evaluated: 2026-09-01. Review status: criteria provided, single submitter. Criteria: CeGaT Center For Human Genetics Tuebingen Variant Classification Criteria Version 2. Collection method: clinical testing. Allele origin: germline. Affected: yes. Observed: 1 variant allele.
Comment: SYNE2: BP4

Labcorp Genetics (formerly Invitae), Labcorp
Classification: Likely benign for Emery-Dreifuss muscular dystrophy 5, autosomal dominant. Last evaluated: 2026-01-27. Review status: criteria provided, single submitter. Criteria: Invitae Variant Classification Sherloc (09022015). Collection method: clinical testing. Allele origin: germline.

NM_182914.3(SYNE2):c.19403-7G>A

Gene: SYNE2 (spectrin repeat containing nuclear envelope protein 2; plus strand). Cytogenetic location: 14q23.2.
Variant type: single nucleotide variant.
Coding change: c.19403-7G>A on transcript NM_182914.3 (MANE Select); 7 bases into the intron before coding-DNA position 19403, G replaced by A.
Molecular consequence: intron variant. On other transcripts: 5 prime UTR variant (1).
Genome position (GRCh38, 1-based): chr14:64,216,241, G>A. VCF-style: chr14-64216241-G-A. GRCh37 (hg19) VCF-style: chr14-64682959-G-A.
Other names: c.-81G>A (NM_182910.2); c.19334-7G>A (NM_015180.6); c.305-7G>A (NM_182913.4).
Identifiers: ClinVar variation 538359 (VCV000538359.11), dbSNP rs376162746, ClinGen allele CA7224437.